The following is an entry in ClinVar:

ClinVar aggregate classification (germline): Uncertain significance (1 of 4 stars; one submission).

Allele frequency attached by ClinVar (database versions not stated): TOPMed below 0.00001; gnomAD exomes 0.00001.

Submission:

Labcorp Genetics (formerly Invitae), Labcorp
Classification: Uncertain significance. Last evaluated: 2022-08-21. Review status: criteria provided, single submitter. Criteria: Invitae Variant Classification Sherloc (09022015). Collection method: clinical testing. Allele origin: germline.
Comment: This variant has not been reported in the literature in individuals affected with DSCAML1-related conditions. This variant is present in population databases (no rsID available, gnomAD 0.007%). This sequence change replaces arginine, which is basic and polar, with histidine, which is basic and polar, at codon 919 of the DSCAML1 protein (p.Arg919His). Algorithms developed to predict the effect of missense changes on protein structure and function are either unavailable or do not agree on the potential impact of this missense change (SIFT: "Deleterious"; PolyPhen-2: "Probably Damaging"; Align-GVGD: "Class C0"). In summary, the available evidence is currently insufficient to determine the role of this variant in disease. Therefore, it has been classified as a Variant of Uncertain Significance.

NM_020693.4(DSCAML1):c.2576G>A (p.Arg859His)

Gene: DSCAML1 (DS cell adhesion molecule like 1; minus strand). Cytogenetic location: 11q23.3.
Variant type: single nucleotide variant.
Coding change: c.2576G>A on transcript NM_020693.4 (MANE Select); coding-DNA position 2576, G replaced by A.
Protein change: p.Arg859His; replaces arginine 859 with histidine.
Molecular consequence: missense variant.
Genome position (GRCh38, 1-based): chr11:117,481,254, C>T on the plus strand (G>A on the coding strand, the complement: DSCAML1 is on the minus strand). VCF-style: chr11-117481254-C-T. GRCh37 (hg19) VCF-style: chr11-117351969-C-T.
Other names: c.2576G>A, p.Arg859His (NM_001367904.1); short protein forms R859H.
Identifiers: ClinVar variation 1899105 (VCV001899105.5), dbSNP rs1269082790, ClinGen allele CA382747522.
Genomic context (GRCh38, chr11:117,481,254, plus strand): 5'-AAGCCCCGGTCCTCCCCATACGAGTTGATGGCATGGCAGCTGAAGAACACAGAGTCCCCA[C>T]GGTCAGCGGGCTTGAGCTGGGAGACCACCAGCAGGGGCAGGAGAGGGAGTAAACAGGGAG-3'
Protein context (NP_065744.3, residues 849-869): VSTLKLKPAD[Arg859His]GDSVFFSCHA